The following is an entry in ClinVar:

NM_001374353.1(GLI2):c.449C>T (p.Pro150Leu)

Gene: GLI2 (GLI family zinc finger 2; plus strand). Cytogenetic location: 2q14.2.
Variant type: single nucleotide variant.
Coding change: c.449C>T on transcript NM_001374353.1 (MANE Select); coding-DNA position 449, C replaced by T.
Protein change: p.Pro150Leu; replaces proline 150 with leucine.
Molecular consequence: missense variant.
Genome position (GRCh38, 1-based): chr2:120,951,437, C>T. VCF-style: chr2-120951437-C-T. GRCh37 (hg19) VCF-style: chr2-121709013-C-T.
Other names: c.449C>T, p.Pro150Leu (NM_001371271.1, NM_005270.5); c.74C>T, p.Pro25Leu (NM_001374354.1); short protein forms P25L, P150L.
Identifiers: ClinVar variation 1385820 (VCV001385820.6), dbSNP rs2104951410, ClinGen allele CA348162318.
Genomic context (GRCh38, chr2:120,951,437, plus strand): 5'-TCCGTTCTGTGCACAGCAGCCCCACGCTCTCCATGATCTCTGCAGCCAGGGGCCTCAGCC[C>T]CGCTGATGGTGAGTAGGGTGTGGGGATGGGGAGGGGCAGCTAGGGCACTGGGGCAGGGCG-3'
Protein context (NP_001361282.1, residues 140-160): SMISAARGLS[Pro150Leu]ADVAQEHLKE

ClinVar aggregate classification (germline): Uncertain significance (1 of 4 stars; one submission).

Conditions:
Holoprosencephaly 9 (HPE9). Also called: PITUITARY ANOMALIES WITH HOLOPROSENCEPHALY-LIKE FEATURES; HOLOPROSENCEPHALY WITH MICROPHTHALMIA AND FIRST BRANCHIAL ARCH ANOMALIES. Identifiers: Orphanet 2162, MedGen C1835819, MONDO:0012563, OMIM 610829.
Postaxial polydactyly-anterior pituitary anomalies-facial dysmorphism syndrome. Also called: Culler-Jones syndrome. Identifiers: Orphanet 420584, MedGen C4014479, MONDO:0014369, OMIM 615849.

Submission:

Labcorp Genetics (formerly Invitae), Labcorp
Classification: Uncertain significance for Postaxial polydactyly-anterior pituitary anomalies-facial dysmorphism syndrome; Holoprosencephaly 9. Last evaluated: 2024-02-24. Review status: criteria provided, single submitter. Criteria: Invitae Variant Classification Sherloc (09022015). Collection method: clinical testing. Allele origin: germline.
Comment: This sequence change replaces proline, which is neutral and non-polar, with leucine, which is neutral and non-polar, at codon 150 of the GLI2 protein (p.Pro150Leu). This variant is not present in population databases (gnomAD no frequency). This variant has not been reported in the literature in individuals affected with GLI2-related conditions. ClinVar contains an entry for this variant (Variation ID: 1385820). Advanced modeling of protein sequence and biophysical properties (such as structural, functional, and spatial information, amino acid conservation, physicochemical variation, residue mobility, and thermodynamic stability) performed at Invitae indicates that this missense variant is expected to disrupt GLI2 protein function with a positive predictive value of 80%. In summary, the available evidence is currently insufficient to determine the role of this variant in disease. Therefore, it has been classified as a Variant of Uncertain Significance.